The following is an entry in ClinVar:

NM_000321.3(RB1):c.118G>A (p.Glu40Lys)

Gene: RB1 (RB transcriptional corepressor 1; plus strand). Cytogenetic location: 13q14.2.
Variant type: single nucleotide variant.
Coding change: c.118G>A on transcript NM_000321.3 (MANE Select); coding-DNA position 118, G replaced by A.
Protein change: p.Glu40Lys; replaces glutamic acid 40 with lysine.
Molecular consequence: missense variant.
Genome position (GRCh38, 1-based): chr13:48,304,030, G>A. VCF-style: chr13-48304030-G-A. GRCh37 (hg19) VCF-style: chr13-48878166-G-A.
Other names: short protein forms E40K.
Identifiers: ClinVar variation 654914 (VCV000654914.10), dbSNP rs1593412262, ClinGen allele CA388250364.
Genomic context (GRCh38, chr13:48,304,030, plus strand): 5'-CCCCCGGCACCGCCGCCGCCGCCCCCTCCTGAGGAGGACCCAGAGCAGGACAGCGGCCCG[G>A]AGGACCTGCCTCTCGTCAGGTGAGCGAGCAGAGCCGCCGTCGCCTCACGCGGGAAGGGCG-3'
Protein context (NP_000312.2, residues 30-50): EEDPEQDSGP[Glu40Lys]DLPLVRLEFE

ClinVar aggregate classification (germline): Uncertain significance. Review status: criteria provided, multiple submitters, no conflicts (2 of 4 stars). 3 submissions from 3 submitters: Uncertain significance (3). Last evaluated 2025-07-09.

Conditions:
Retinoblastoma (RB1). Also called: RETINOBLASTOMA, SOMATIC. Identifiers: Orphanet 790, MedGen C0035335, MeSH D012175, MONDO:0008380, OMIM 180200, HP:0009919. Disease mechanism: loss of function. Inheritance: Both sporadic and heritable forms are tested..
Hereditary cancer-predisposing syndrome. Also called: Hereditary neoplastic syndrome; Tumor predisposition; Neoplastic Syndromes, Hereditary; Hereditary Cancer Syndrome. Identifiers: Orphanet 140162, MedGen C0027672, MeSH D009386, MONDO:0015356.

Allele frequency attached by ClinVar (database versions not stated): gnomAD exomes below 0.00001.
gnomAD v4.1: 1 of 1,461,876 alleles (0.000068%); highest among the groups gnomAD compares: Non-Finnish European, 0.00009%; no homozygotes.

Submissions (3):

Ambry Genetics
Classification: Uncertain significance for Hereditary cancer-predisposing syndrome. Last evaluated: 2025-07-09. Review status: criteria provided, single submitter. Criteria: Ambry Variant Classification Scheme 2023. Collection method: clinical testing. Allele origin: germline.
Comment: The p.E40K variant (also known as c.118G>A), located in coding exon 1 of the RB1 gene, results from a G to A substitution at nucleotide position 118. The glutamic acid at codon 40 is replaced by lysine, an amino acid with similar properties. This amino acid position is well conserved in available vertebrate species. In addition, the in silico prediction for this alteration is inconclusive. Since supporting evidence is limited at this time, the clinical significance of this alteration remains unclear.

Color Diagnostics, LLC DBA Color Health
Classification: Uncertain significance for Retinoblastoma. Last evaluated: 2024-05-06. Review status: criteria provided, single submitter. Criteria: ACMG Guidelines, 2015. Collection method: clinical testing. Allele origin: germline.
Comment: This missense variant replaces glutamic acid with lysine at codon 40 of the RB1 protein. Computational prediction suggests that this variant may not impact protein structure and function. To our knowledge, functional studies have not been reported for this variant. This variant has not been reported in individuals affected with RB1-related disorders in the literature. This variant has not been identified in the general population by the Genome Aggregation Database (gnomAD). The available evidence is insufficient to determine the role of this variant in disease conclusively. Therefore, this variant is classified as a Variant of Uncertain Significance.

Labcorp Genetics (formerly Invitae), Labcorp
Classification: Uncertain significance for Retinoblastoma. Last evaluated: 2023-08-10. Review status: criteria provided, single submitter. Criteria: Invitae Variant Classification Sherloc (09022015). Collection method: clinical testing. Allele origin: germline.
Comment: This sequence change replaces glutamic acid, which is acidic and polar, with lysine, which is basic and polar, at codon 40 of the RB1 protein (p.Glu40Lys). This variant is not present in population databases (gnomAD no frequency). This variant has not been reported in the literature in individuals affected with RB1-related conditions. ClinVar contains an entry for this variant (Variation ID: 654914). Advanced modeling of protein sequence and biophysical properties (such as structural, functional, and spatial information, amino acid conservation, physicochemical variation, residue mobility, and thermodynamic stability) has been performed at Invitae for this missense variant, however the output from this modeling did not meet the statistical confidence thresholds required to predict the impact of this variant on RB1 protein function. In summary, the available evidence is currently insufficient to determine the role of this variant in disease. Therefore, it has been classified as a Variant of Uncertain Significance.